The following is an entry in ClinVar:

ClinVar aggregate classification (germline): Pathogenic (1 of 4 stars; one submission).

Submission:

Quest Diagnostics Nichols Institute San Juan Capistrano
Classification: Pathogenic. Last evaluated: 2023-11-10. Review status: criteria provided, single submitter. Criteria: ACMG/ClinGen CNV Guidelines, 2019. Collection method: clinical testing. Allele origin: unknown.
Comment: This deletion involves multiple protein-coding genes, including KRIT1 (OMIM 604214). Loss of KRIT1 is associated with autosomal dominant cerebral cavernous malformations 1 (CCM1; OMIM 116860; Flemming 2023, Mondejar 2014, Nardella 2018, Riant 2013, Gaetzner 2007, Hirota 2016, Marto 2016, Muscarella 2010, Ricci 2021). There are no similar copy number losses of this region in the general populations of the Database of Genomic Variants. Thus, based on gene content and current medical literature, this copy number variant (CNV) is classified as pathogenic. References: Flemming et al., GeneReviews [Jul 27 2023]. PMID: 20301470; Gaetzner et al., Neurosurg Rev. 2007 Apr;30(2):155-9; 159-60. PMID: 17187287; Hirota et al., Hum Genome Var. 2016 Oct 6:3:16032. PMID: 27766163; Lin et al., Circ Cardiovasc Genet. 2017 Dec;10(6):e001839. PMID: 29247119; Mak et al., Hong Kong Med J. 2019 Feb;25(1):21-9. PMID: 30670673; Martinez-Barrios et al., Int J Legal Med. 2023 Mar;137(2):345-351. PMID: 36693943; Marto et al., Case Rep Neurol. 2016 Sep 12;8(3):193-198. PMID: 27790124; Mondejar et al., PLoS One. 2014 Jan 23;9(1):e86286. PMID: 24466005; Muscarella et al., J Biomed Biotechnol. 2010:2010:854737. PMID: 20798775; Nardella et al., Hum Mutat. 2018 Dec;39(12):1885-1900. PMID: 30161288; Riant et al., Neurogenetics. 2013 May;14(2):133-41. PMID: 23595507; Ricci et al., J Mol Neurosci. 2021 Sep;71(9):1876-1883. PMID: 33651268; Sarquella-Brugada et al., Hum Genet. 2022 Oct;141(10):1579-1589. PMID: 34546463; Schon et al., BMC Med Genomics. 2021 Mar 31;14(1):94. PMID: 33789662; Shigemizu et al., PLoS One. 2015 Jul 1;10(7):e0130329. PMID: 26132555; Van Lint et al., Neth Heart J. 2019 Jun;27(6):304-309. PMID: 30847666; Yoneda et al., JAMA Cardiol. 2021 Dec 1;6(12):1371-1379. PMID: 34495297

GRCh37/hg19 7q21.2(chr7:91737874-92247201)x1

Genes: AKAP9 (A-kinase anchoring protein 9; plus strand), ANKIB1 (ankyrin repeat and IBR domain containing 1; plus strand), CDK6 (cyclin dependent kinase 6; minus strand), CYP51A1 (cytochrome P450 family 51 subfamily A member 1; minus strand), CYP51A1-AS1 (CYP51A1 antisense RNA 1; plus strand) and 7 more. Cytogenetic location: 7q21.2.
Variant type: copy number loss.
Change: copy number 1 (one copy instead of two) of chr7:91,737,874-92,247,201 (509.3 kb, GRCh37 coordinates, 1-based), cytogenetic band 7q21.2.
Identifiers: ClinVar variation 3391896 (VCV003391896.1).